The following is an entry in ClinVar:

ClinVar aggregate classification (germline): Benign/Likely benign. Review status: criteria provided, multiple submitters, no conflicts (2 of 4 stars). 10 submissions from 10 submitters: Benign (7); Likely benign (1). 2 of the submissions do not count toward it. Last evaluated 2026-02-03.

Conditions:
Age related macular degeneration 11. Identifiers: MedGen C2677774, MONDO:0012767, OMIM 611953.
Hereditary cerebral amyloid angiopathy, Icelandic type. Also called: ACys amyloidosis; AMYLOIDOSIS VI; AMYLOIDOSIS, CEREBROARTERIAL, ICELANDIC TYPE; CEREBRAL AMYLOID ANGIOPATHY, CST3-RELATED. Identifiers: Orphanet 100008, Orphanet 85458, MedGen C1527338, MONDO:0007098, OMIM 105150.

Allele frequency attached by ClinVar (database versions not stated): TOPMed 0.19008; gnomAD 0.20062 and 0.20331; gnomAD exomes 0.20151 and 0.21351; 1000 Genomes Project 30x 0.20706; 1000 Genomes Project 0.21226; ExAC 0.25489.
gnomAD v4.1: 323,047 of 1,523,760 alleles (21%); highest among the groups gnomAD compares: South Asian, 29%; 35,388 homozygotes.

Submissions (10):

Labcorp Genetics (formerly Invitae), Labcorp
Classification: Benign. Last evaluated: 2026-02-03. Review status: criteria provided, single submitter. Criteria: Invitae Variant Classification Sherloc (09022015). Collection method: clinical testing. Allele origin: germline.

Genomic Medicine Center of Excellence, King Faisal Specialist Hospital and Research Centre
Classification: Likely benign for Age related macular degeneration 11. Last evaluated: 2025-07-30. Review status: criteria provided, single submitter. Criteria: ACMG Guidelines, 2015. Collection method: clinical testing. Allele origin: germline.

Blueprint Genetics
Classification: Benign. Last evaluated: 2024-11-28. Review status: criteria provided, single submitter. Criteria: ACMG Guidelines, 2015. Collection method: clinical testing. Allele origin: germline.

Department of Pathology and Laboratory Medicine, Sinai Health System
Classification: Benign for ACys amyloidosis. Last evaluated: 2023-04-23. Review status: criteria provided, single submitter. Criteria: ACMG Guidelines, 2015. Collection method: research. Allele origin: germline.

Mayo Clinic Laboratories, Mayo Clinic
Classification: Benign. Last evaluated: 2023-03-02. Review status: criteria provided, single submitter. Criteria: ACMG Guidelines, 2015. Collection method: clinical testing. Allele origin: germline. Observed: 102 variant alleles.
Comment: BA1

Fulgent Genetics
Classification: Benign for Hereditary cerebral amyloid angiopathy, Icelandic type; Age related macular degeneration 11. Last evaluated: 2021-08-10. Review status: criteria provided, single submitter. Criteria: ACMG Guidelines, 2015. Collection method: clinical testing. Allele origin: unknown.

H3Africa Consortium
Classification: Benign. Last evaluated: 2020-10-28. Review status: criteria provided, single submitter. Criteria: Choudhury A et al. (Nature 2020). Collection method: research. Allele origin: germline. Inheritance: Autosomal dominant inheritance. Study: H3Africa.
Comment: While the frequency of the alternate allele in gnoMAD v2.0.2 is 0.229, its frequency in African populations is >5%. This suggests that previous classifications of this variant as pathogenic are in error.

Breakthrough Genomics
Classification: Benign. Review status: criteria provided, single submitter. Criteria: ACMG Guidelines, 2015. Collection method: not provided. Allele origin: germline. Inheritance: Autosomal dominant inheritance. Affected: yes.

Reproductive Health Research and Development, BGI Genomics
Classification: Benign for Age-related macular degeneration 11. Last evaluated: 2020-01-06. Review status: no assertion criteria provided. Collection method: curation. Allele origin: germline. Not counted in ClinVar's aggregate classification.
Comment: NM_000099.2:c.73G>A in the gene CST3 has an allele frequency of 0.297 in South Asian subpopulation in the gnomAD database. A total of 3515 homozygous occurrences are observed in the gnomAD database. This evidence suggests the variant to be classified as benign. ACMG/AMP criteria applied: BA1; BS2.

OMIM
Classification: Pathogenic for MACULAR DEGENERATION, AGE-RELATED, 11. Last evaluated: 2002-02-01. Review status: no assertion criteria provided. Collection method: literature only. Allele origin: germline. Not counted in ClinVar's aggregate classification.

Literature cited by the submitters: PubMed 11815350 (cited by OMIM); PubMed 25893795 (cited by OMIM).

NM_000099.4(CST3):c.73G>A (p.Ala25Thr)

Genes: CST3 (cystatin C; minus strand), LOC130065547 (ATAC-STARR-seq lymphoblastoid silent region 12734; plus strand). Cytogenetic location: 20p11.21.
Variant type: single nucleotide variant.
Coding change: c.73G>A on transcript NM_000099.4 (MANE Select); coding-DNA position 73, G replaced by A.
Protein change: p.Ala25Thr; replaces alanine 25 with threonine.
Molecular consequence: missense variant.
Genome position (GRCh38, 1-based): chr20:23,637,790, C>T on the plus strand (G>A on the coding strand, the complement: CST3 is on the minus strand). VCF-style: chr20-23637790-C-T. GRCh37 (hg19) VCF-style: chr20-23618427-C-T.
Other names: CST3, ALA25THR (rs1064039); c.73G>A, p.Ala25Thr (NM_001288614.2); short protein forms A25T.
Identifiers: ClinVar variation 5635 (VCV000005635.18), dbSNP rs1064039, ClinGen allele CA117663.